The following is an entry in ClinVar:

ClinVar aggregate classification (germline): Conflicting classifications of pathogenicity. Review status: criteria provided, conflicting classifications (1 of 4 stars). 4 submissions from 4 submitters: Pathogenic (2); Likely pathogenic (1); Uncertain significance (1). Last evaluated 2025-05-13.

Conditions:
RYR1-related disorder. Also called: RYR1-related disorders; RYR1-related condition. Identifiers: MedGen CN239331.
Malignant hyperthermia, susceptibility to, 1 (MHS1). Also called: RYR1-Related Malignant Hyperthermia Susceptibility; Malignant hyperthermia suceptibility 1; Anesthesia related hyperthermia; Malignant hyperpyrexia; Fulminating hyperpyrexia; Pharmacogenic myopathy. Identifiers: Orphanet 423, MedGen C2930980, MONDO:0007783, OMIM 145600.

Allele frequency attached by ClinVar (database versions not stated): ExAC 0.00001; gnomAD 0.00001; gnomAD exomes 0.00001; TOPMed 0.00001.
gnomAD v4.1: 10 of 1,613,604 alleles (0.00062%); highest among the groups gnomAD compares: South Asian, 0.0022%; no homozygotes.

Submissions (4):

Color Diagnostics, LLC DBA Color Health
Classification: Uncertain significance for Malignant hyperthermia, susceptibility to, 1. Last evaluated: 2025-05-13. Review status: criteria provided, single submitter. Criteria: ACMG Guidelines, 2015. Collection method: clinical testing. Allele origin: germline.
Comment: This variant changes 1 nucleotide in exon 18 of the RYR1 gene, creating a premature translation stop signal. This variant is expected to result in an absent or non-functional protein product. This variant has been identified in 2/250882 chromosomes in the general population by the Genome Aggregation Database (gnomAD). This variant has not been reported in individuals affected with autosomal dominant malignant hyperthermia in the literature, although it is associated with other phenotype(s) (ClinVar Variation ID: 996809). Due to insufficient evidence, this variant is classified as a Variant of Uncertain Significance for autosomal dominant malignant hyperthermia.

Labcorp Genetics (formerly Invitae), Labcorp
Classification: Pathogenic for RYR1-related disorder. Last evaluated: 2025-01-27. Review status: criteria provided, single submitter. Criteria: Invitae Variant Classification Sherloc (09022015). Collection method: clinical testing. Allele origin: germline.
Comment: This sequence change creates a premature translational stop signal (p.Arg651*) in the RYR1 gene. It is expected to result in an absent or disrupted protein product. Loss-of-function variants in RYR1 are known to be pathogenic (PMID: 23919265, 25960145, 28818389, 30611313). This variant is present in population databases (rs754522209, gnomAD 0.002%). This variant has not been reported in the literature in individuals affected with RYR1-related conditions. ClinVar contains an entry for this variant (Variation ID: 996809). For these reasons, this variant has been classified as Pathogenic.

Institute of Human Genetics, University of Leipzig Medical Center
Classification: Likely pathogenic for RYR1-related disorder. Last evaluated: 2023-07-26. Review status: criteria provided, single submitter. Criteria: ACMG Guidelines, 2015. Collection method: clinical testing. Allele origin: unknown.
Comment: Criteria applied: PVS1, PM2_SUP

Institute of Medical Genetics and Applied Genomics, University Hospital Tübingen
Classification: Pathogenic. Last evaluated: 2021-02-01. Review status: criteria provided, single submitter. Criteria: ACMG Guidelines, 2015. Collection method: clinical testing. Allele origin: germline. Inheritance: Unknown mechanism. Affected: yes.

Literature cited by the submitters: PubMed 23919265 (cited by Labcorp Genetics (formerly Invitae), Labcorp); PubMed 25960145 (cited by Labcorp Genetics (formerly Invitae), Labcorp); PubMed 28818389 (cited by Labcorp Genetics (formerly Invitae), Labcorp); PubMed 30611313 (cited by Labcorp Genetics (formerly Invitae), Labcorp).

NM_000540.3(RYR1):c.1951C>T (p.Arg651Ter)

Gene: RYR1 (ryanodine receptor 1; plus strand). Cytogenetic location: 19q13.2.
Variant type: single nucleotide variant.
Coding change: c.1951C>T on transcript NM_000540.3 (MANE Select); coding-DNA position 1951, C replaced by T.
Protein change: p.Arg651Ter; replaces arginine 651 with a stop codon.
Molecular consequence: nonsense.
Genome position (GRCh38, 1-based): chr19:38,458,076, C>T. VCF-style: chr19-38458076-C-T. GRCh37 (hg19) VCF-style: chr19-38948716-C-T.
Other names: c.1951C>T, p.Arg651Ter (NM_001042723.2); short protein forms R651*.
Identifiers: ClinVar variation 996809 (VCV000996809.22), dbSNP rs754522209, ClinGen allele CA062699.
Genomic context (GRCh38, chr19:38,458,076, plus strand): 5'-CGTCATCCCCCTCTCCTGTCCCATCTCTCCTGCAGCATCCGCCCCAACATCTTTGTGGGC[C>T]GAGCGGAAGGCACCACGCAGTACAGCAAATGGTACTTTGAGGTGATGGTGGACGAGGTGA-3'